The following is an entry in ClinVar:

NM_000179.3(MSH6):c.309C>A (p.Tyr103Ter)

Gene: MSH6 (mutS homolog 6; plus strand). Cytogenetic location: 2p16.3.
Variant type: single nucleotide variant.
Coding change: c.309C>A on transcript NM_000179.3 (MANE Select); coding-DNA position 309, C replaced by A.
Protein change: p.Tyr103Ter; replaces tyrosine 103 with a stop codon.
Molecular consequence: nonsense. On other transcripts: 5 prime UTR variant (2), intron variant (1).
Genome position (GRCh38, 1-based): chr2:47,790,975, C>A. VCF-style: chr2-47790975-C-A. GRCh37 (hg19) VCF-style: chr2-48018114-C-A.
Other names: c.-428C>A (NM_001281493.2); c.-594C>A (NM_001281494.2); c.237+7505C>A (NM_001281492.2); short protein forms Y103*.
Identifiers: ClinVar variation 548749 (VCV000548749.12), dbSNP rs1553410230, ClinGen allele CA346736807.
Genomic context (GRCh38, chr2:47,790,975, plus strand): 5'-TTTTGGCAACAGTTGTGACTTCTCACCAGGAGATTTGGTTTGGGCCAAGATGGAGGGTTA[C>A]CCCTGGTGGCCTTGTCTGGTTTACAACCACCCCTTTGATGGAACATTCATCCGCGAGAAA-3'

ClinVar aggregate classification (germline): Pathogenic. Review status: criteria provided, multiple submitters, no conflicts (2 of 4 stars). 4 submissions from 4 submitters: Pathogenic (3). 1 of the submissions does not count toward it. Last evaluated 2023-08-30.

Conditions:
Hereditary nonpolyposis colorectal neoplasms. Identifiers: MedGen C0009405, MeSH D003123.
Hereditary cancer-predisposing syndrome. Also called: Hereditary Cancer Syndrome; Hereditary neoplastic syndrome; Tumor predisposition; Neoplastic Syndromes, Hereditary. Identifiers: Orphanet 140162, MedGen C0027672, MeSH D009386, MONDO:0015356.
Lynch syndrome 5 (LYNCH5). Also called: Hereditary non-polyposis colorectal cancer, type 5; Colorectal cancer, hereditary nonpolyposis, type 5. Identifiers: Orphanet 144, MedGen C1833477, MONDO:0013710, OMIM 614350. Disease mechanism: loss of function.

Submissions (4):

Labcorp Genetics (formerly Invitae), Labcorp
Classification: Pathogenic for Hereditary nonpolyposis colorectal neoplasms. Last evaluated: 2023-08-30. Review status: criteria provided, single submitter. Criteria: Invitae Variant Classification Sherloc (09022015). Collection method: clinical testing. Allele origin: germline.
Comment: ClinVar contains an entry for this variant (Variation ID: 548749). For these reasons, this variant has been classified as Pathogenic. This variant has not been reported in the literature in individuals affected with MSH6-related conditions. This variant is not present in population databases (gnomAD no frequency). This sequence change creates a premature translational stop signal (p.Tyr103*) in the MSH6 gene. It is expected to result in an absent or disrupted protein product. Loss-of-function variants in MSH6 are known to be pathogenic (PMID: 18269114, 24362816).

Myriad Genetics, Inc.
Classification: Pathogenic for Lynch syndrome 5. Last evaluated: 2023-03-27. Review status: criteria provided, single submitter. Criteria: Myriad Autosomal Dominant, Autosomal Recessive and X-Linked Classification Criteria (2023). Collection method: clinical testing. Allele origin: unknown.
Comment: This variant is considered pathogenic. This variant creates a termination codon and is predicted to result in premature protein truncation.

Ambry Genetics
Classification: Pathogenic for Hereditary cancer-predisposing syndrome. Last evaluated: 2021-08-18. Review status: criteria provided, single submitter. Criteria: Ambry Variant Classification Scheme 2023. Collection method: clinical testing. Allele origin: germline.
Comment: The p.Y103* pathogenic mutation (also known as c.309C>A), located in coding exon 2 of the MSH6 gene, results from a C to A substitution at nucleotide position 309. This changes the amino acid from a tyrosine to a stop codon within coding exon 2. This alteration is expected to result in loss of function by premature protein truncation or nonsense-mediated mRNA decay. This variant is considered to be rare based on population cohorts in the Genome Aggregation Database (gnomAD). As such, this alteration is interpreted as a disease-causing mutation.

Counsyl
Classification: Likely pathogenic for Lynch syndrome 5. Last evaluated: 2017-06-16. Review status: no assertion criteria provided. Collection method: clinical testing. Allele origin: unknown. Not counted in ClinVar's aggregate classification.

Literature cited by the submitters: PubMed 18269114 (cited by Labcorp Genetics (formerly Invitae), Labcorp); PubMed 24362816 (cited by Labcorp Genetics (formerly Invitae), Labcorp).